The following is an entry in ClinVar:

ClinVar aggregate classification (germline): Uncertain significance (1 of 4 stars; one submission).

Conditions:
Niemann-Pick disease, type C1. Also called: NIEMANN-PICK DISEASE, VARIANT TYPE C1; NEUROVISCERAL STORAGE DISEASE WITH VERTICAL SUPRANUCLEAR OPHTHALMOPLEGIA; NIEMANN-PICK DISEASE WITH CHOLESTEROL ESTERIFICATION BLOCK; NIEMANN-PICK DISEASE WITHOUT SPHINGOMYELINASE DEFICIENCY; NIEMANN-PICK DISEASE, CHRONIC NEURONOPATHIC FORM. Identifiers: Orphanet 646, MedGen C3179455, MONDO:0009757, OMIM 257220.

Submission:

Labcorp Genetics (formerly Invitae), Labcorp
Classification: Uncertain significance for Niemann-Pick disease, type C1. Last evaluated: 2022-02-18. Review status: criteria provided, single submitter. Criteria: Invitae Variant Classification Sherloc (09022015). Collection method: clinical testing. Allele origin: germline.
Comment: This sequence change replaces proline, which is neutral and non-polar, with serine, which is neutral and polar, at codon 377 of the NPC1 protein (p.Pro377Ser). This variant is not present in population databases (gnomAD no frequency). This variant has not been reported in the literature in individuals affected with NPC1-related conditions. Advanced modeling of protein sequence and biophysical properties (such as structural, functional, and spatial information, amino acid conservation, physicochemical variation, residue mobility, and thermodynamic stability) performed at Invitae indicates that this missense variant is expected to disrupt NPC1 protein function. In summary, the available evidence is currently insufficient to determine the role of this variant in disease. Therefore, it has been classified as a Variant of Uncertain Significance.

NM_000271.5(NPC1):c.1129C>T (p.Pro377Ser)

Gene: NPC1 (NPC intracellular cholesterol transporter 1; minus strand). Cytogenetic location: 18q11.2.
Variant type: single nucleotide variant.
Coding change: c.1129C>T on transcript NM_000271.5 (MANE Select); coding-DNA position 1129, C replaced by T.
Protein change: p.Pro377Ser; replaces proline 377 with serine.
Molecular consequence: missense variant.
Genome position (GRCh38, 1-based): chr18:23,556,440, G>A on the plus strand (C>T on the coding strand, the complement: NPC1 is on the minus strand). VCF-style: chr18-23556440-G-A. GRCh37 (hg19) VCF-style: chr18-21136404-G-A.
Other names: short protein forms P377S.
Identifiers: ClinVar variation 2098815 (VCV002098815.4), dbSNP rs2511283715, ClinGen allele CA401778198.